The following is an entry in ClinVar:

ClinVar aggregate classification (germline): Benign. Review status: criteria provided, multiple submitters, no conflicts (2 of 4 stars). 2 submissions from 2 submitters: Benign (2). Last evaluated 2018-06-16.

Allele frequency attached by ClinVar (database versions not stated): gnomAD exomes 0.50096; gnomAD 0.58338 and 0.58975; TOPMed 0.61215; 1000 Genomes Project 0.61362; 1000 Genomes Project 30x 0.62367.
gnomAD v4.1: 685,951 of 1,344,056 alleles (51%); highest among the groups gnomAD compares: African/African-American, 84%; 181,325 homozygotes.

Submissions (2):

GeneDx
Classification: Benign. Last evaluated: 2018-06-16. Review status: criteria provided, single submitter. Criteria: GeneDx Variant Classification (06012015). Collection method: clinical testing. Allele origin: germline. Affected: yes.
Comment: This variant is considered likely benign or benign based on one or more of the following criteria: it is a conservative change, it occurs at a poorly conserved position in the protein, it is predicted to be benign by multiple in silico algorithms, and/or has population frequency not consistent with disease.

Breakthrough Genomics
Classification: Benign. Review status: criteria provided, single submitter. Criteria: ACMG Guidelines, 2015. Collection method: not provided. Allele origin: germline. Inheritance: Autosomal recessive inheritance. Affected: yes.

NM_001048166.1(STIL):c.453+92G>T

Gene: STIL (STIL centriolar assembly protein; minus strand). Cytogenetic location: 1p33.
Variant type: single nucleotide variant.
Coding change: c.453+92G>T on transcript NM_001048166.1 (MANE Select); 92 bases into the intron after coding-DNA position 453, G replaced by T.
Molecular consequence: intron variant.
Genome position (GRCh38, 1-based): chr1:47,301,469, C>A on the plus strand (G>T on the coding strand, the complement: STIL is on the minus strand). VCF-style: chr1-47301469-C-A. GRCh37 (hg19) VCF-style: chr1-47767141-C-A.
Other names: c.453+92G>T (NM_003035.2, NM_001282939.1, NM_001282938.1 and 2 more transcripts).
Identifiers: ClinVar variation 670581 (VCV000670581.2), dbSNP rs6689687, ClinGen allele CA10806401.